The following is an entry in ClinVar:

ClinVar aggregate classification (germline): Conflicting classifications of pathogenicity. Review status: criteria provided, conflicting classifications (1 of 4 stars). 7 submissions from 7 submitters: Pathogenic (3); Likely pathogenic (2); Uncertain significance (1). 1 of the submissions does not count toward it. Last evaluated 2025-12-29.

Conditions:
ABCA4-related disorder. Also called: ABCA4-related condition; ABCA4-related disorders. Identifiers: MedGen CN239167.
Stargardt disease 3. Also called: MACULAR DYSTROPHY WITH FLECKS, TYPE 3; STARGARDT-LIKE MACULAR DYSTROPHY, AUTOSOMAL DOMINANT. Identifiers: Orphanet 827, MedGen C1838644, MONDO:0010819, OMIM 600110.
Retinal dystrophy. Also called: Inherited retinal dystrophy. Identifiers: Orphanet 71862, MedGen C0854723, MeSH D058499, MONDO:0019118, HP:0000556.
Severe early-childhood-onset retinal dystrophy (STGD1). Also called: Stargardt macular dystrophy; Juvenile onset macular degeneration; Stargardt disease 1; MACULAR DYSTROPHY WITH FLECKS, TYPE 1; STGD. Identifiers: Orphanet 364055, Orphanet 827, MedGen C1855465, MeSH D000080362, MONDO:0009549, OMIM 248200.

Allele frequency attached by ClinVar (database versions not stated): ExAC 0.00003; gnomAD 0.00001; TOPMed 0.00001; gnomAD exomes 0.00002 and 0.00001.
gnomAD v4.1: 12 of 1,614,028 alleles (0.00074%); highest among the groups gnomAD compares: African/African-American, 0.0027%; no homozygotes.

Submissions (7):

Labcorp Genetics (formerly Invitae), Labcorp
Classification: Pathogenic. Last evaluated: 2025-12-29. Review status: criteria provided, single submitter. Criteria: Invitae Variant Classification Sherloc (09022015). Collection method: clinical testing. Allele origin: germline.
Comment: This sequence change replaces arginine, which is basic and polar, with tryptophan, which is neutral and slightly polar, at codon 290 of the ABCA4 protein (p.Arg290Trp). This variant is present in population databases (rs781716640, gnomAD 0.01%). This missense change has been observed in individual(s) with Stargardt disease (PMID: 17893657, 23419329, 29854428, 29925512). In at least one individual the data is consistent with being in trans (on the opposite chromosome) from a pathogenic variant. ClinVar contains an entry for this variant (Variation ID: 866516). Invitae Evidence Modeling of protein sequence and biophysical properties (such as structural, functional, and spatial information, amino acid conservation, physicochemical variation, residue mobility, and thermodynamic stability) indicates that this missense variant is expected to disrupt ABCA4 protein function with a positive predictive value of 95%. Algorithms developed to predict the effect of sequence changes on RNA splicing suggest that this variant may disrupt the consensus splice site. For these reasons, this variant has been classified as Pathogenic.

Blueprint Genetics
Classification: Pathogenic for ABCA4-related disorders. Last evaluated: 2024-08-27. Review status: criteria provided, single submitter. Criteria: ACMG Guidelines, 2015. Collection method: clinical testing. Allele origin: germline. Affected: yes. Observed: 5 variant alleles.

Revvity Omics, Revvity
Classification: Likely pathogenic. Last evaluated: 2024-02-23. Review status: criteria provided, single submitter. Criteria: ACMG Guidelines, 2015. Collection method: clinical testing. Allele origin: germline.

Laboratory of Medical Genetics, National & Kapodistrian University of Athens
Classification: Pathogenic for Severe early-childhood-onset retinal dystrophy. Last evaluated: 2021-10-01. Review status: criteria provided, single submitter. Criteria: ACMG Guidelines, 2015. Collection method: clinical testing. Allele origin: paternal. Affected: yes.
Comment: PM1, PM3, PM5, PP2, PP3, PP5

Institute of Medical Genetics and Applied Genomics, University Hospital Tübingen
Classification: Likely pathogenic. Last evaluated: 2020-10-23. Review status: criteria provided, single submitter. Criteria: ACMG Guidelines, 2015. Collection method: clinical testing. Allele origin: germline. Inheritance: Autosomal recessive inheritance. Affected: yes.

Institute of Human Genetics, Univ. Regensburg, Univ. Regensburg
Classification: Uncertain significance for Retinal dystrophy. Last evaluated: 2016-01-01. Review status: criteria provided, single submitter. Criteria: ACMG Guidelines, 2015. Collection method: clinical testing. Allele origin: germline. Affected: yes.

Ophthalmo-Genetics Lab, Instituto de Oftalmologia Conde de Valenciana
Classification: Pathogenic for Stargardt disease 3. Review status: no assertion criteria provided. Collection method: research. Allele origin: germline. Inheritance: Autosomal recessive inheritance. Not counted in ClinVar's aggregate classification.

Literature cited by the submitters: PubMed 17893657 (cited by Labcorp Genetics (formerly Invitae), Labcorp and Ophthalmo-Genetics Lab, Instituto de Oftalmologia Conde de Valenciana); PubMed 23419329 (cited by Labcorp Genetics (formerly Invitae), Labcorp); PubMed 29854428 (cited by Labcorp Genetics (formerly Invitae), Labcorp); PubMed 29925512 (cited by Labcorp Genetics (formerly Invitae), Labcorp and Institute of Human Genetics, Univ. Regensburg, Univ. Regensburg); PubMed 34008892 (cited by Laboratory of Medical Genetics, National & Kapodistrian University of Athens and Institute of Human Genetics, Univ. Regensburg, Univ. Regensburg); PubMed 11527935 (cited by Institute of Human Genetics, Univ. Regensburg, Univ. Regensburg); PubMed 32483926 (cited by Institute of Human Genetics, Univ. Regensburg, Univ. Regensburg); PubMed 31964843 (cited by Institute of Human Genetics, Univ. Regensburg, Univ. Regensburg); PubMed 32307445 (cited by Institute of Human Genetics, Univ. Regensburg, Univ. Regensburg); PubMed 36460718 (cited by Institute of Human Genetics, Univ. Regensburg, Univ. Regensburg); PubMed 35076026 (cited by Institute of Human Genetics, Univ. Regensburg, Univ. Regensburg).

NM_000350.3(ABCA4):c.868C>T (p.Arg290Trp)

Gene: ABCA4 (ATP binding cassette subfamily A member 4; minus strand). Cytogenetic location: 1p22.1.
Variant type: single nucleotide variant.
Coding change: c.868C>T on transcript NM_000350.3 (MANE Select); coding-DNA position 868, C replaced by T.
Protein change: p.Arg290Trp; replaces arginine 290 with tryptophan.
Molecular consequence: missense variant.
Genome position (GRCh38, 1-based): chr1:94,080,709, G>A on the plus strand (C>T on the coding strand, the complement: ABCA4 is on the minus strand). VCF-style: chr1-94080709-G-A. GRCh37 (hg19) VCF-style: chr1-94546265-G-A.
Other names: c.868C>T, p.Arg290Trp (NM_001425324.1); short protein forms R290W.
Identifiers: ClinVar variation 866516 (VCV000866516.16), dbSNP rs781716640, ClinGen allele CA958686.